The following is an entry in ClinVar:

NM_006231.4(POLE):c.561C>T (p.Tyr187=)

Gene: POLE (DNA polymerase epsilon, catalytic subunit; minus strand). Cytogenetic location: 12q24.33.
Variant type: single nucleotide variant.
Coding change: c.561C>T on transcript NM_006231.4 (MANE Select); coding-DNA position 561, C replaced by T.
Protein change: p.Tyr187=; no amino-acid change (tyrosine 187 retained).
Molecular consequence: synonymous variant.
Genome position (GRCh38, 1-based): chr12:132,679,514, G>A on the plus strand (C>T on the coding strand, the complement: POLE is on the minus strand). VCF-style: chr12-132679514-G-A. GRCh37 (hg19) VCF-style: chr12-133256100-G-A.
Identifiers: ClinVar variation 240568 (VCV000240568.73), dbSNP rs143938822, ClinGen allele CA6894287.

ClinVar aggregate classification (germline): Benign/Likely benign. Review status: criteria provided, multiple submitters, no conflicts (2 of 4 stars). 13 submissions from 13 submitters: Benign (3); Likely benign (9). 1 of the submissions does not count toward it. Last evaluated 2026-01-28.

Conditions:
Polymerase proofreading-related adenomatous polyposis. Also called: Polymerase proofreading associated polyposis; Polymerase proofreading–associated polyposis (PPAP). Identifiers: Orphanet 447877, MedGen C5202613, MONDO:0018653.
Hereditary cancer-predisposing syndrome. Also called: Tumor predisposition; Hereditary Cancer Syndrome; Neoplastic Syndromes, Hereditary; Hereditary neoplastic syndrome. Identifiers: Orphanet 140162, MedGen C0027672, MeSH D009386, MONDO:0015356.
Colorectal cancer, susceptibility to, 12 (CRCS12). Also called: COLORECTAL CANCER, SUSCEPTIBILITY TO, ON CHROMOSOME 12q24. Identifiers: Orphanet 220460, MedGen C3554460, MONDO:0014038, OMIM 615083.

Allele frequency attached by ClinVar (database versions not stated): ExAC 0.00014; gnomAD 0.00020 and 0.00021; gnomAD exomes 0.00021 and 0.00032; TOPMed 0.00023; ESP Exome Variant Server 0.00062.

Submissions (13):

Labcorp Genetics (formerly Invitae), Labcorp
Classification: Benign. Last evaluated: 2026-01-28. Review status: criteria provided, single submitter. Criteria: Invitae Variant Classification Sherloc (09022015). Collection method: clinical testing. Allele origin: germline.

Center for Genomic Medicine, Rigshospitalet, Copenhagen University Hospital
Classification: Likely benign. Last evaluated: 2025-03-04. Review status: criteria provided, single submitter. Criteria: ACMG Guidelines, 2015. Collection method: clinical testing. Allele origin: germline.

Blueprint Genetics
Classification: Likely benign. Last evaluated: 2024-09-13. Review status: criteria provided, single submitter. Criteria: ACMG Guidelines, 2015. Collection method: clinical testing. Allele origin: germline.

Women's Health and Genetics/Laboratory Corporation of America, LabCorp
Classification: Benign. Last evaluated: 2023-05-28. Review status: criteria provided, single submitter. Criteria: LabCorp Variant Classification Summary - May 2015. Collection method: clinical testing. Allele origin: germline.

CeGaT Center for Human Genetics Tuebingen
Classification: Likely benign. Last evaluated: 2022-08-01. Review status: criteria provided, single submitter. Criteria: CeGaT Center For Human Genetics Tuebingen Variant Classification Criteria Version 2. Collection method: clinical testing. Allele origin: germline. Affected: yes. Observed: 2 variant alleles.
Comment: POLE: BP4, BP7

Sema4
Classification: Likely benign for Hereditary cancer-predisposing syndrome. Last evaluated: 2021-03-27. Review status: criteria provided, single submitter. Criteria: Sema4 Curation Guidelines. Collection method: curation. Allele origin: germline.

GeneDx
Classification: Likely benign. Last evaluated: 2021-02-18. Review status: criteria provided, single submitter. Criteria: GeneDx Variant Classification Process June 2021. Collection method: clinical testing. Allele origin: germline. Affected: yes.

Mendelics
Classification: Likely benign for Colorectal cancer, susceptibility to, 12. Last evaluated: 2019-05-28. Review status: criteria provided, single submitter. Criteria: Mendelics Assertion Criteria 2017. Collection method: clinical testing. Allele origin: unknown.

Quest Diagnostics Nichols Institute San Juan Capistrano
Classification: Benign. Last evaluated: 2018-02-21. Review status: criteria provided, single submitter. Criteria: Quest Diagnostics criteria. Collection method: clinical testing. Allele origin: unknown.

PreventionGenetics, part of Exact Sciences
Classification: Likely benign. Last evaluated: 2017-11-14. Review status: criteria provided, single submitter. Criteria: ACMG Guidelines, 2015. Collection method: clinical testing. Allele origin: germline.

Ambry Genetics
Classification: Likely benign for Hereditary cancer-predisposing syndrome. Last evaluated: 2015-06-28. Review status: criteria provided, single submitter. Criteria: Ambry Variant Classification Scheme 2023. Collection method: clinical testing. Allele origin: germline.

Breakthrough Genomics
Classification: Likely benign. Review status: criteria provided, single submitter. Criteria: ACMG Guidelines, 2015. Collection method: not provided. Allele origin: germline. Inheritance: Autosomal recessive inheritance. Affected: yes.

Department of Pathology and Laboratory Medicine, Sinai Health System
Classification: Likely benign for Polymerase proofreading-related adenomatous polyposis. Review status: no assertion criteria provided. Collection method: clinical testing. Allele origin: unknown. Affected: yes. Study: The Canadian Open Genetics Repository (COGR). Not counted in ClinVar's aggregate classification.
Comment: The POLE p.Tyr187= variant was not identified in the literature. The variant was identified in dbSNP (rs143938822) as â€šÃ„Ãºwith likely benign alleleâ€šÃ„Ã¹ and ClinVar (classified as likely benign by Ambry Genetics, GeneDx, PreventionGenetics and Quest Diagnostics and Benign by Invitae and 1 other submitter). The variant was identified in control databases in 60 of 282,732 chromosomes at a frequency of 0.0002 increasing the likelihood this could be a low frequency benign variant (Genome Aggregation Database Feb 27, 2017). The variant was observed in the following populations: Ashkenazi Jewish in 13 of 10,366 chromosomes (freq: 0.001), Other in 2 of 7222 chromosomes (freq: 0.0003), European in 35 of 129,070 chromosomes (freq: 0.0003), Latino in 7 of 35,426 chromosomes (freq: 0.0002), African in 3 of 24,966 chromosomes (freq: 0.0001), while the variant was not observed in the East Asian, Finnish and South Asian populations. The p.Tyr187= variant is not expected to have clinical significance because it does not result in a change of amino acid and is not located in a known consensus splice site. The variant occurs at a non-highly conserved nucleotide outside of the splicing consensus sequence and in silico or computational prediction software programs (SpliceSiteFinder, MaxEntScan, NNSPLICE, GeneSplicer) do not predict a difference in splicing. In summary, based on the above information the clinical significance of this variant cannot be determined with certainty at this time although we would lean towards a more benign role for this variant. This variant is classified as likely benign.